The following is an entry in ClinVar:

ClinVar aggregate classification (germline): Benign/Likely benign. Review status: criteria provided, multiple submitters, no conflicts (2 of 4 stars). 4 submissions from 4 submitters: Benign (2); Likely benign (1). 1 of the submissions does not count toward it. Last evaluated 2022-02-15.

Conditions:
Intellectual developmental disorder, autosomal recessive 54. Also called: Intellectual disability, autosomal recessive 54. Identifiers: Orphanet 88616, MedGen C4310755, MONDO:0014876, OMIM 617028.
TNIK-related disorder. Also called: TNIK-related condition.

Allele frequency attached by ClinVar (database versions not stated): ESP Exome Variant Server 0.02275; gnomAD exomes 0.00198 and 0.00492; gnomAD 0.02140 and 0.01999; 1000 Genomes Project 0.02436; ExAC 0.00646; TOPMed 0.02202; 1000 Genomes Project 30x 0.02670.
gnomAD v4.1: 6,037 of 1,612,216 alleles (0.37%); highest among the groups gnomAD compares: African/African-American, 7.2%; 207 homozygotes.

Submissions (4):

Fulgent Genetics
Classification: Likely benign for Intellectual developmental disorder, autosomal recessive 54. Last evaluated: 2022-02-15. Review status: criteria provided, single submitter. Criteria: ACMG Guidelines, 2015. Collection method: clinical testing. Allele origin: unknown.

Labcorp Genetics (formerly Invitae), Labcorp
Classification: Benign. Last evaluated: 2019-12-31. Review status: criteria provided, single submitter. Criteria: Invitae Variant Classification Sherloc (09022015). Collection method: clinical testing. Allele origin: germline.

Breakthrough Genomics
Classification: Benign. Review status: criteria provided, single submitter. Criteria: ACMG Guidelines, 2015. Collection method: not provided. Allele origin: germline. Inheritance: Autosomal recessive inheritance. Affected: yes.

PreventionGenetics, part of Exact Sciences
Classification: Benign for TNIK-related condition. Last evaluated: 2019-08-14. Review status: no assertion criteria provided. Collection method: clinical testing. Allele origin: germline. Not counted in ClinVar's aggregate classification.
Comment: This variant is classified as benign based on ACMG/AMP sequence variant interpretation guidelines (Richards et al. 2015 PMID: 25741868, with internal and published modifications).

NM_015028.4(TNIK):c.3012C>T (p.Ser1004=)

Gene: TNIK (TRAF2 and NCK interacting kinase; minus strand). Cytogenetic location: 3q26.2.
Variant type: single nucleotide variant.
Coding change: c.3012C>T on transcript NM_015028.4 (MANE Select); coding-DNA position 3012, C replaced by T.
Protein change: p.Ser1004=; no amino-acid change (serine 1004 retained).
Molecular consequence: synonymous variant.
Genome position (GRCh38, 1-based): chr3:171,084,312, G>A on the plus strand (C>T on the coding strand, the complement: TNIK is on the minus strand). VCF-style: chr3-171084312-G-A. GRCh37 (hg19) VCF-style: chr3-170802101-G-A.
Other names: c.2988C>T, p.Ser996= (NM_001161560.3); c.2925C>T, p.Ser975= (NM_001161561.3); c.2901C>T, p.Ser967= (NM_001161562.3); c.2847C>T, p.Ser949= (NM_001161563.3); c.2823C>T, p.Ser941= (NM_001161564.3); c.2760C>T, p.Ser920= (NM_001161565.3); c.2736C>T, p.Ser912= (NM_001161566.3).
Identifiers: ClinVar variation 783409 (VCV000783409.8), dbSNP rs61736291, ClinGen allele CA2703027.